The following is an entry in ClinVar:

NM_014989.7(RIMS1):c.1700T>G (p.Leu567Trp)

Gene: RIMS1 (regulating synaptic membrane exocytosis 1; plus strand). Cytogenetic location: 6q13.
Variant type: single nucleotide variant.
Coding change: c.1700T>G on transcript NM_014989.7 (MANE Select); coding-DNA position 1700, T replaced by G.
Protein change: p.Leu567Trp; replaces leucine 567 with tryptophan.
Molecular consequence: missense variant. On other transcripts: 5 prime UTR variant (9).
Genome position (GRCh38, 1-based): chr6:72,233,794, T>G. VCF-style: chr6-72233794-T-G. GRCh37 (hg19) VCF-style: chr6-72943497-T-G.
Other names: c.-122T>G (NM_001350461.2, NM_001350463.2, NM_001350464.2 and 6 more transcripts); c.53T>G, p.Leu18Trp (NM_001350462.2, NM_001350421.2, NM_001350424.2 and 6 more transcripts); c.122T>G, p.Leu41Trp (NM_001168407.2, NM_001168408.2, NM_001350414.2 and 37 more transcripts); c.77T>G, p.Leu26Trp (NM_001168410.2, NM_001350470.2, NM_001350472.2 and 2 more transcripts); short protein forms L41W, L26W, L567W, L18W.
Identifiers: ClinVar variation 2856996 (VCV002856996.3), dbSNP rs2552056381, ClinGen allele CA364823367.
Genomic context (GRCh38, chr6:72,233,794, plus strand): 5'-TAATACCATTACACTTTTCATTCTTTTTGTATTGCACAGGTGATTTGGATTATTACTGGT[T>G]GGATCCTGCCACGTGGCACAGCCGGGAGACATCACCTATTAGTTCGGTAAGTTTTCTGGA-3'
Protein context (NP_055804.2, residues 557-577): SEKGDLDYYW[Leu567Trp]DPATWHSRET

ClinVar aggregate classification (germline): Uncertain significance (1 of 4 stars; one submission).

Submission:

Labcorp Genetics (formerly Invitae), Labcorp
Classification: Uncertain significance. Last evaluated: 2023-04-17. Review status: criteria provided, single submitter. Criteria: Invitae Variant Classification Sherloc (09022015). Collection method: clinical testing. Allele origin: germline.
Comment: In summary, the available evidence is currently insufficient to determine the role of this variant in disease. Therefore, it has been classified as a Variant of Uncertain Significance. An algorithm developed to predict the effect of missense changes on protein structure and function (PolyPhen-2) suggests that this variant is likely to be disruptive. This variant has not been reported in the literature in individuals affected with RIMS1-related conditions. This variant is not present in population databases (gnomAD no frequency). This sequence change replaces leucine, which is neutral and non-polar, with tryptophan, which is neutral and slightly polar, at codon 567 of the RIMS1 protein (p.Leu567Trp).